The following is an entry in ClinVar:

NM_001267550.2(TTN):c.31940C>T (p.Pro10647Leu)

Gene: TTN (titin; minus strand). Cytogenetic location: 2q31.2.
Variant type: single nucleotide variant.
Coding change: c.31940C>T on transcript NM_001267550.2 (MANE Select); coding-DNA position 31940, C replaced by T.
Protein change: p.Pro10647Leu; replaces proline 10647 with leucine.
Molecular consequence: missense variant. On other transcripts: intron variant (3).
Genome position (GRCh38, 1-based): chr2:178,689,361, G>A on the plus strand (C>T on the coding strand, the complement: TTN is on the minus strand). VCF-style: chr2-178689361-G-A. GRCh37 (hg19) VCF-style: chr2-179554088-G-A.
Other names: c.30989C>T, p.Pro10330Leu (NM_001256850.1); c.28208C>T, p.Pro9403Leu (NM_133378.4); c.13283-47044C>T (NM_003319.4); c.13859-47044C>T (NM_133437.4); c.13658-47044C>T (NM_133432.3); short protein forms P10330L, P10647L, P9403L.
Identifiers: ClinVar variation 3026399 (VCV003026399.22), dbSNP rs903657414, ClinGen allele CA60988210.

ClinVar aggregate classification (germline): Uncertain significance (1 of 4 stars; one submission).

Allele frequency attached by ClinVar (database versions not stated): gnomAD 0.00001; gnomAD exomes 0.00001; TOPMed 0.00001.
gnomAD v4.1: 19 of 1,613,484 alleles (0.0012%); highest among the groups gnomAD compares: Non-Finnish European, 0.0014%; no homozygotes.

Submission:

CeGaT Center for Human Genetics Tuebingen
Classification: Uncertain significance. Last evaluated: 2024-02-01. Review status: criteria provided, single submitter. Criteria: CeGaT Center For Human Genetics Tuebingen Variant Classification Criteria Version 2. Collection method: clinical testing. Allele origin: germline. Affected: yes. Observed: 1 variant allele.
Comment: TTN: PM2, BP4